The following is an entry in ClinVar:

ClinVar aggregate classification (germline): Uncertain significance (1 of 4 stars; one submission).

Conditions:
Dystonic disorder. Also called: Dystonia. Identifiers: MedGen C0013421, MONDO:0003441, HP:0001332.

Submission:

Labcorp Genetics (formerly Invitae), Labcorp
Classification: Uncertain significance for Dystonic disorder. Last evaluated: 2025-02-20. Review status: criteria provided, single submitter. Criteria: Invitae Variant Classification Sherloc (09022015). Collection method: clinical testing. Allele origin: germline.
Comment: This sequence change replaces alanine, which is neutral and non-polar, with glycine, which is neutral and non-polar, at codon 14 of the TOR1A protein (p.Ala14Gly). This variant is not present in population databases (gnomAD no frequency). This variant has not been reported in the literature in individuals affected with TOR1A-related conditions. Experimental studies and prediction algorithms are not available or were not evaluated, and the functional significance of this variant is currently unknown. In summary, the available evidence is currently insufficient to determine the role of this variant in disease. Therefore, it has been classified as a Variant of Uncertain Significance.

NM_000113.3(TOR1A):c.41C>G (p.Ala14Gly)

Genes: TOR1A (torsin family 1 member A; minus strand), LOC130002772 (ATAC-STARR-seq lymphoblastoid active region 29122; plus strand). Cytogenetic location: 9q34.11.
Variant type: single nucleotide variant.
Coding change: c.41C>G on transcript NM_000113.3 (MANE Select); coding-DNA position 41, C replaced by G.
Protein change: p.Ala14Gly; replaces alanine 14 with glycine.
Molecular consequence: missense variant.
Genome position (GRCh38, 1-based): chr9:129,824,045, G>C on the plus strand (C>G on the coding strand, the complement: TOR1A is on the minus strand). VCF-style: chr9-129824045-G-C. GRCh37 (hg19) VCF-style: chr9-132586324-G-C.
Other names: short protein forms A14G.
Identifiers: ClinVar variation 3663113 (VCV003663113.2).